The following is an entry in ClinVar:

ClinVar aggregate classification (germline): Uncertain significance (1 of 4 stars; one submission).

Conditions:
Breast-ovarian cancer, familial, susceptibility to, 4. Identifiers: Orphanet 145, MedGen C3280345, MONDO:0013669, OMIM 614291.

Submission:

Labcorp Genetics (formerly Invitae), Labcorp
Classification: Uncertain significance for Breast-ovarian cancer, familial, susceptibility to, 4. Last evaluated: 2024-01-02. Review status: criteria provided, single submitter. Criteria: Invitae Variant Classification Sherloc (09022015). Collection method: clinical testing. Allele origin: germline.
Comment: This sequence change replaces methionine, which is neutral and non-polar, with arginine, which is basic and polar, at codon 228 of the RAD51D protein (p.Met228Arg). This variant is not present in population databases (gnomAD no frequency). This variant has not been reported in the literature in individuals affected with RAD51D-related conditions. Advanced modeling of protein sequence and biophysical properties (such as structural, functional, and spatial information, amino acid conservation, physicochemical variation, residue mobility, and thermodynamic stability) performed at Invitae indicates that this missense variant is not expected to disrupt RAD51D protein function with a negative predictive value of 80%. In summary, the available evidence is currently insufficient to determine the role of this variant in disease. Therefore, it has been classified as a Variant of Uncertain Significance.

NM_002878.4(RAD51D):c.683T>G (p.Met228Arg)

Genes: RAD51L3-RFFL (RAD51L3-RFFL readthrough; minus strand), RAD51D (RAD51 paralog D; minus strand). Cytogenetic location: 17q12.
Variant type: single nucleotide variant.
Coding change: c.683T>G on transcript NM_002878.4 (MANE Select); coding-DNA position 683, T replaced by G.
Protein change: p.Met228Arg; replaces methionine 228 with arginine.
Molecular consequence: missense variant. On other transcripts: non-coding transcript variant (3).
Genome position (GRCh38, 1-based): chr17:35,103,309, A>C on the plus strand (T>G on the coding strand, the complement: RAD51D is on the minus strand). VCF-style: chr17-35103309-A-C. GRCh37 (hg19) VCF-style: chr17-33430328-A-C.
Other names: c.743T>G, p.Met248Arg (NM_001142571.2); c.347T>G, p.Met116Arg (NM_133629.3); short protein forms M116R, M248R, M228R.
Identifiers: ClinVar variation 2707007 (VCV002707007.3), dbSNP rs2142418676, ClinGen allele CA399087736.
Genomic context (GRCh38, chr17:35,103,309, plus strand): 5'-CTCACCACCACTGCCATGCCAAGGTCCCGGGCCAGGGTCTTCAGCTCTCGGGCCAGCTGC[A>C]TCATCAAGGCCAAGCCTGCAGGAGGAGGAGAAGCAGAGAGGGAGGGCAGTGGGGAACCAG-3'
Protein context (NP_002869.3, residues 218-238): GQQREGLALM[Met228Arg]QLARELKTLA